The following is an entry in ClinVar:

ClinVar aggregate classification (germline): Uncertain significance (1 of 4 stars; one submission).

Conditions:
Autosomal recessive severe congenital neutropenia due to CSF3R deficiency. Also called: Neutropenia, severe congenital, 7, autosomal recessive. Identifiers: Orphanet 420702, MedGen C4310764, MONDO:0014865, OMIM 617014.

Submission:

Labcorp Genetics (formerly Invitae), Labcorp
Classification: Uncertain significance for Autosomal recessive severe congenital neutropenia due to CSF3R deficiency. Last evaluated: 2024-10-28. Review status: criteria provided, single submitter. Criteria: Invitae Variant Classification Sherloc (09022015). Collection method: clinical testing. Allele origin: germline.
Comment: This sequence change replaces histidine, which is basic and polar, with aspartic acid, which is acidic and polar, at codon 94 of the CSF3R protein (p.His94Asp). This variant is not present in population databases (gnomAD no frequency). This variant has not been reported in the literature in individuals affected with CSF3R-related conditions. Invitae Evidence Modeling of protein sequence and biophysical properties (such as structural, functional, and spatial information, amino acid conservation, physicochemical variation, residue mobility, and thermodynamic stability) indicates that this missense variant is not expected to disrupt CSF3R protein function with a negative predictive value of 80%. In summary, the available evidence is currently insufficient to determine the role of this variant in disease. Therefore, it has been classified as a Variant of Uncertain Significance.

NM_000760.4(CSF3R):c.280C>G (p.His94Asp)

Gene: CSF3R (colony stimulating factor 3 receptor; minus strand). Cytogenetic location: 1p34.3.
Variant type: single nucleotide variant.
Coding change: c.280C>G on transcript NM_000760.4 (MANE Select); coding-DNA position 280, C replaced by G.
Protein change: p.His94Asp; replaces histidine 94 with aspartic acid.
Molecular consequence: missense variant.
Genome position (GRCh38, 1-based): chr1:36,475,458, G>C on the plus strand (C>G on the coding strand, the complement: CSF3R is on the minus strand). VCF-style: chr1-36475458-G-C. GRCh37 (hg19) VCF-style: chr1-36941059-G-C.
Other names: c.280C>G, p.His94Asp (NM_156039.3, NM_172313.3); short protein forms H94D.
Identifiers: ClinVar variation 3676331 (VCV003676331.2).